The following is an entry in ClinVar:

ClinVar aggregate classification (germline): Benign/Likely benign. Review status: criteria provided, multiple submitters, no conflicts (2 of 4 stars). 4 submissions from 3 submitters: Benign (1); Likely benign (3). Last evaluated 2026-02-01.

Conditions:
Supravalvar aortic stenosis (SVAS). Also called: Supravalvar aortic stenosis, Eisenberg type. Identifiers: Orphanet 3193, MedGen C0003499, MONDO:0008504, OMIM 185500, HP:0004381.
Cutis laxa, autosomal dominant 1 (ADCL1). Also called: ELN-Related Cutis Laxa. Identifiers: Orphanet 90348, MedGen C3276539, MONDO:0007411, OMIM 123700. Disease mechanism: Dominant Negative.

Allele frequency attached by ClinVar (database versions not stated): gnomAD exomes 0.00002; gnomAD 0.00004 and 0.00005; TOPMed 0.00006; 1000 Genomes Project 30x 0.00016; 1000 Genomes Project 0.00020.
gnomAD v4.1: 37 of 1,614,106 alleles (0.0023%); highest among the groups gnomAD compares: East Asian, 0.022%; no homozygotes.

Submissions (4):

Labcorp Genetics (formerly Invitae), Labcorp
Classification: Likely benign for Supravalvar aortic stenosis. Last evaluated: 2026-02-01. Review status: criteria provided, single submitter. Criteria: Invitae Variant Classification Sherloc (09022015). Collection method: clinical testing. Allele origin: germline.

Illumina Laboratory Services, Illumina
Classification: Likely benign for Supravalvar aortic stenosis. Last evaluated: 2018-01-12. Review status: criteria provided, single submitter. Criteria: ICSL Variant Classification Criteria 13 December 2019. Collection method: clinical testing. Allele origin: germline.
Comment: This variant was observed in the ICSL laboratory as part of a predisposition screen in an ostensibly healthy population. It had not been previously curated by ICSL or reported in the Human Gene Mutation Database (HGMD: prior to June 1st, 2018), and was therefore a candidate for classification through an automated scoring system. Utilizing variant allele frequency, disease prevalence and penetrance estimates, and inheritance mode, an automated score was calculated to assess if this variant is too frequent to cause the disease. Based on the score and internal cut-off values, a variant classified as likely benign is not then subjected to further curation. The score for this variant resulted in a classification of likely benign for this disease.

Illumina Laboratory Services, Illumina
Classification: Benign for Cutis laxa, autosomal dominant 1. Last evaluated: 2018-01-12. Review status: criteria provided, single submitter. Criteria: ICSL Variant Classification Criteria 13 December 2019. Collection method: clinical testing. Allele origin: germline.
Comment: This variant was observed in the ICSL laboratory as part of a predisposition screen in an ostensibly healthy population. It had not been previously curated by ICSL or reported in the Human Gene Mutation Database (HGMD: prior to June 1st, 2018), and was therefore a candidate for classification through an automated scoring system. Utilizing variant allele frequency, disease prevalence and penetrance estimates, and inheritance mode, an automated score was calculated to assess if this variant is too frequent to cause the disease. Based on the score and internal cut-off values, a variant classified as benign is not then subjected to further curation. The score for this variant resulted in a classification of benign for this disease.

Breakthrough Genomics
Classification: Likely benign. Review status: criteria provided, single submitter. Criteria: ACMG Guidelines, 2015. Collection method: not provided. Allele origin: germline. Inheritance: Autosomal dominant inheritance. Affected: yes.

NM_000501.4(ELN):c.1674C>T (p.Gly558=)

Genes: ELN (elastin; plus strand), ELN-AS1 (ELN antisense RNA 1; minus strand). Cytogenetic location: 7q11.23.
Variant type: single nucleotide variant.
Coding change: c.1674C>T on transcript NM_000501.4 (MANE Select); coding-DNA position 1674, C replaced by T.
Protein change: p.Gly558=; no amino-acid change (glycine 558 retained).
Molecular consequence: synonymous variant.
Genome position (GRCh38, 1-based): chr7:74,060,428, C>T. VCF-style: chr7-74060428-C-T. GRCh37 (hg19) VCF-style: chr7-73474758-C-T.
Other names: c.1587C>T, p.Gly529= (NM_001081752.3); c.1632C>T, p.Gly544= (NM_001081753.3); c.1689C>T, p.Gly563= (NM_001081754.3); c.1617C>T, p.Gly539= (NM_001081755.3); c.1674C>T, p.Gly558= (NM_001278912.2); c.1431C>T, p.Gly477= (NM_001278913.2); c.1602C>T, p.Gly534= (NM_001278914.2); c.1692C>T, p.Gly564= (NM_001278915.2); and 4 more.
Identifiers: ClinVar variation 911121 (VCV000911121.12), dbSNP rs182784538, ClinGen allele CA4293154.